The following is an entry in ClinVar:

ClinVar aggregate classification (germline): Likely pathogenic (1 of 4 stars; one submission).

Conditions:
Familial pulmonary capillary hemangiomatosis (PVOD2). Also called: Pulmonary venoocclusive disease 2, autosomal recessive; Pulmonary venoocclusive disease 2. Identifiers: Orphanet 199241, MedGen C0340848, MONDO:0009329, OMIM 234810.

Submission:

Neuberg Centre For Genomic Medicine, NCGM
Classification: Likely pathogenic for Familial pulmonary capillary hemangiomatosis. Review status: criteria provided, single submitter. Criteria: ACMG Guidelines, 2015. Collection method: clinical testing. Allele origin: germline. Inheritance: Autosomal recessive inheritance. Affected: yes.
Comment: The frameshift deletion p.S770Ifs*21 in EIF2AK4 (NM_001013703.4) has not been reported previously as a pathogenic variant nor as a benign variant, to our knowledge. The p.S770Ifs*21 variant is novel (not in any individuals) in gnomAD Exomes and is novel (not in any individuals) in 1000 Genomes. This variant is predicted to cause loss of normal protein function through protein truncation caused a frameshift mutation. The frame shifted sequence continues 21 residues until a stop codon is reached. The p.S770Ifs*21 variant is a loss of function variant in the gene EIF2AK4, which is intolerant of Loss of Function variants. For these reasons, this variant has been classified as Likely Pathogenic.

NM_001013703.4(EIF2AK4):c.2309del (p.Ser770fs)

Gene: EIF2AK4 (eukaryotic translation initiation factor 2 alpha kinase 4; plus strand). Cytogenetic location: 15q15.1.
Variant type: Deletion.
Coding change: c.2309del on transcript NM_001013703.4 (MANE Select); coding-DNA position 2309, one base deleted (G; older notation c.2309delG).
Protein change: p.Ser770fs; shifts the reading frame from serine 770.
Molecular consequence: frameshift variant.
Genome position (GRCh38, 1-based): chr15:39,978,137, G deleted. VCF-style (leftmost placement, unchanged base first): chr15-39978136-AG-A. GRCh37 (hg19) VCF-style: chr15-40270337-AG-A.
Other names: short protein forms S770fs.
Identifiers: ClinVar variation 2585120 (VCV002585120.1), dbSNP rs2504573137, ClinGen allele CA2582341781.